The following is an entry in ClinVar:

ClinVar aggregate classification (germline): Benign (1 of 4 stars; one submission).

Conditions:
Hereditary diffuse gastric adenocarcinoma (HDGC). Also called: DIFFUSE GASTRIC AND LOBULAR BREAST CANCER SYNDROME. Identifiers: Orphanet 26106, MedGen C1708349, MONDO:0007648, OMIM 137215.

Submission:

Myriad Genetics, Inc.
Classification: Benign for Hereditary diffuse gastric adenocarcinoma. Last evaluated: 2024-10-11. Review status: criteria provided, single submitter. Criteria: Myriad Autosomal Dominant, Autosomal Recessive and X-Linked Classification Criteria (2023). Collection method: clinical testing. Allele origin: unknown.
Comment: This variant is considered benign. This variant is a silent/synonymous amino acid change and it is not expected to impact splicing.

NM_001903.5(CTNNA1):c.1419A>G (p.Ala473=)

Gene: CTNNA1 (catenin alpha 1; plus strand). Cytogenetic location: 5q31.2.
Variant type: single nucleotide variant.
Coding change: c.1419A>G on transcript NM_001903.5 (MANE Select); coding-DNA position 1419, A replaced by G.
Protein change: p.Ala473=; no amino-acid change (alanine 473 retained).
Molecular consequence: synonymous variant. On other transcripts: 5 prime UTR variant (5).
Genome position (GRCh38, 1-based): chr5:138,917,771, A>G. VCF-style: chr5-138917771-A-G. GRCh37 (hg19) VCF-style: chr5-138253460-A-G.
Other names: c.1419A>G, p.Ala473= (NM_001290307.3, NM_001323982.2, NM_001323983.1 and 2 more transcripts); c.1110A>G, p.Ala370= (NM_001290309.3); c.1050A>G, p.Ala350= (NM_001290310.3); c.309A>G, p.Ala103= (NM_001290312.1, NM_001323987.1, NM_001323988.1 and 17 more transcripts); c.1326A>G, p.Ala442= (NM_001323986.2); c.-31A>G (NM_001324006.1, NM_001324007.1, NM_001324008.1 and 2 more transcripts); c.216A>G, p.Ala72= (NM_001324011.1); c.66A>G, p.Ala22= (NM_001324012.1, NM_001324013.1).
Identifiers: ClinVar variation 3773296 (VCV003773296.1).